The following is an entry in ClinVar:

ClinVar aggregate classification (germline): Likely pathogenic (1 of 4 stars; one submission).

Conditions:
Aicardi-Goutieres syndrome 1. Also called: CREE ENCEPHALITIS; ENCEPHALOPATHY, FAMILIAL INFANTILE, WITH INTRACRANIAL CALCIFICATION AND CHRONIC CEREBROSPINAL FLUID LYMPHOCYTOSIS; PSEUDOTOXOPLASMOSIS SYNDROME. Identifiers: Orphanet 51, MedGen C0796126, MONDO:0009165, OMIM 225750.

Submission:

Institute of Human Genetics, University of Leipzig Medical Center
Classification: Likely pathogenic for Aicardi-Goutieres syndrome 1. Last evaluated: 2019-01-01. Review status: criteria provided, single submitter. Criteria: ACMG Guidelines, 2015. Collection method: clinical testing. Allele origin: unknown. Affected: yes.
Comment: This variant was identified as compound heterozygous.

NM_033629.6(TREX1):c.143_144del (p.Pro48fs)

Genes: ATRIP (ATR interacting protein; plus strand), ATRIP-TREX1 (ATRIP-TREX1 readthrough; plus strand), TREX1 (three prime repair exonuclease 1; plus strand). Cytogenetic location: 3p21.31.
Variant type: Deletion.
Coding change: c.143_144del on transcript NM_033629.6 (MANE Select); coding-DNA positions 143 to 144, 2 bases deleted (CC; older notation c.143_144delCC).
Protein change: p.Pro48fs; shifts the reading frame from proline 48.
Molecular consequence: frameshift variant. On other transcripts: non-coding transcript variant (1), 3 prime UTR variant (4).
Genome position (GRCh38, 1-based): chr3:48,466,798-48,466,799, CC deleted; deleting any 2 consecutive bases within chr3:48,466,793-48,466,799 gives the same sequence; the c. name uses the placement nearest the transcript's 3' end. VCF-style (leftmost placement, unchanged base first): chr3-48466792-GCC-G. GRCh37 (hg19) VCF-style: chr3-48508191-GCC-G.
Other names: c.113_114del, p.Pro38fs (NM_007248.5); c.143_144delCC, p.Pro48Hisfs (NM_033629.4); c.*1244_*1245del (NM_001271022.2, NM_001271023.2, NM_032166.4 and 1 more transcripts); short protein forms P38fs, P48fs.
Identifiers: ClinVar variation 983045 (VCV000983045.1), dbSNP rs748914604, ClinGen allele CA1139658062.